The following is an entry in ClinVar:

ClinVar aggregate classification (germline): Conflicting classifications of pathogenicity. Review status: criteria provided, conflicting classifications (1 of 4 stars). 2 submissions from 2 submitters: Likely pathogenic (1); Uncertain significance (1). Last evaluated 2025-05-08.

Allele frequency attached by ClinVar (database versions not stated): gnomAD exomes below 0.00001.
gnomAD v4.1: 1 of 1,595,774 alleles (0.000063%); highest among the groups gnomAD compares: Non-Finnish European, 0.000086%; no homozygotes.

Submissions (2):

Women's Health and Genetics/Laboratory Corporation of America, LabCorp
Classification: Uncertain significance. Last evaluated: 2025-05-08. Review status: criteria provided, single submitter. Criteria: LabCorp Variant Classification Summary - May 2015. Collection method: clinical testing. Allele origin: germline.
Comment: Variant summary: PMM2 c.526G>A (p.Gly176Ser) results in a non-conservative amino acid change in the encoded protein sequence. Algorithms developed to predict the effect of missense changes on protein structure and function all suggest that this variant is likely to be disruptive. Consensus agreement among computation tools predict no significant impact on normal splicing. However, these predictions have yet to be confirmed by functional studies. The variant was absent in 251478 control chromosomes. The available data on variant occurrences in the general population are insufficient to allow any conclusion about variant significance. To our knowledge, no occurrence of c.526G>A in individuals affected with Congenital Disorder Of Glycosylation Type 1a and no experimental evidence demonstrating its impact on protein function have been reported. ClinVar contains an entry for this variant (Variation ID: 1335984). Based on the evidence outlined above, the variant was classified as uncertain significance.

Genetic Services Laboratory, University of Chicago
Classification: Likely pathogenic. Last evaluated: 2018-10-01. Review status: criteria provided, single submitter. Criteria: ACMG Guidelines, 2015. Collection method: clinical testing. Allele origin: germline. Affected: yes.
Comment: DNA sequence analysis of the PMM2 gene demonstrated a sequence change, c.526G>A, in exon 7 that results in an amino acid change, p.Gly176Ser. The p.Gly176Ser change affects a highly conserved amino acid residue located in a domain of the PMM2 protein that is known to be functional. The p.Gly176Ser substitution appears to be deleterious using several in-silico pathogenicity prediction tools (SIFT, PolyPhen2, Align GVGD, REVEL).This particular amino acid change does not appear to have been described in the literature in other patients with PMM2 related disorders or as a benign sequence change in the PMM2 gene, however, a different pathogenic sequence change affecting the same amino acid residue (p.Gly176Val) has been described in a patient with congenital disorder of glycosylation 1 A in a compound heterozygous state (PMID: 15844218). Functional studies in this paper showed reduced PMM activity. Based on the above information, we classify this variant as a likely pathogenic variant.

NM_000303.3(PMM2):c.526G>A (p.Gly176Ser)

Gene: PMM2 (phosphomannomutase 2; plus strand). Cytogenetic location: 16p13.2.
Variant type: single nucleotide variant.
Coding change: c.526G>A on transcript NM_000303.3 (MANE Select); coding-DNA position 526, G replaced by A.
Protein change: p.Gly176Ser; replaces glycine 176 with serine.
Molecular consequence: missense variant.
Genome position (GRCh38, 1-based): chr16:8,812,993, G>A. VCF-style: chr16-8812993-G-A. GRCh37 (hg19) VCF-style: chr16-8906850-G-A.
Other names: short protein forms G176S.
Identifiers: ClinVar variation 1335984 (VCV001335984.5), dbSNP rs1156500366, ClinGen allele CA394697627.